The following is an entry in ClinVar:

ClinVar aggregate classification (germline): Uncertain significance (1 of 4 stars; one submission).

Allele frequency attached by ClinVar (database versions not stated): gnomAD exomes below 0.00001.
gnomAD v4.1: 2 of 1,613,818 alleles (0.00012%); highest among the groups gnomAD compares: Admixed American, 0.0017%; no homozygotes.

Submission:

Labcorp Genetics (formerly Invitae), Labcorp
Classification: Uncertain significance. Last evaluated: 2022-12-25. Review status: criteria provided, single submitter. Criteria: Invitae Variant Classification Sherloc (09022015). Collection method: clinical testing. Allele origin: germline.
Comment: This sequence change replaces threonine, which is neutral and polar, with isoleucine, which is neutral and non-polar, at codon 220 of the NPAT protein (p.Thr220Ile). This variant is not present in population databases (gnomAD no frequency). This variant has not been reported in the literature in individuals affected with NPAT-related conditions. Algorithms developed to predict the effect of missense changes on protein structure and function output the following: SIFT: "Tolerated"; PolyPhen-2: "Benign"; Align-GVGD: "Class C0". The isoleucine amino acid residue is found in multiple mammalian species, which suggests that this missense change does not adversely affect protein function. In summary, the available evidence is currently insufficient to determine the role of this variant in disease. Therefore, it has been classified as a Variant of Uncertain Significance.

NM_002519.3(NPAT):c.659C>T (p.Thr220Ile)

Gene: NPAT (nuclear protein, coactivator of histone transcription; minus strand). Cytogenetic location: 11q22.3.
Variant type: single nucleotide variant.
Coding change: c.659C>T on transcript NM_002519.3 (MANE Select); coding-DNA position 659, C replaced by T.
Protein change: p.Thr220Ile; replaces threonine 220 with isoleucine.
Molecular consequence: missense variant.
Genome position (GRCh38, 1-based): chr11:108,186,549, G>A on the plus strand (C>T on the coding strand, the complement: NPAT is on the minus strand). VCF-style: chr11-108186549-G-A. GRCh37 (hg19) VCF-style: chr11-108057276-G-A.
Other names: c.659C>T, p.Thr220Ile (NM_001321307.1); short protein forms T220I.
Identifiers: ClinVar variation 1936698 (VCV001936698.5), dbSNP rs929785559, ClinGen allele CA228398599.